The following is an entry in ClinVar:

ClinVar aggregate classification (germline): Uncertain significance (1 of 4 stars; one submission).

Conditions:
Inborn genetic diseases. Identifiers: MedGen C0950123, MeSH D030342.

Submission:

Ambry Genetics
Classification: Uncertain significance for Inborn genetic diseases. Last evaluated: 2024-07-29. Review status: criteria provided, single submitter. Criteria: Ambry Variant Classification Scheme 2023. Collection method: clinical testing. Allele origin: germline.
Comment: The p.E59Q variant (also known as c.175G>C), located in coding exon 1 of the ACD gene, results from a G to C substitution at nucleotide position 175. The glutamic acid at codon 59 is replaced by glutamine, an amino acid with highly similar properties. This amino acid position is conserved. In addition, this alteration is predicted to be tolerated by in silico analysis. Since supporting evidence is limited at this time, the clinical significance of this alteration remains unclear.

NM_001082486.1(ACD):c.175G>C (p.Glu59Gln)

Gene: ACD (ACD shelterin complex subunit and telomerase recruitment factor; minus strand). Cytogenetic location: 16q22.1.
Variant type: single nucleotide variant.
Coding change: c.175G>C on transcript NM_001082486.1; coding-DNA position 175, G replaced by C.
Protein change: p.Glu59Gln; replaces glutamic acid 59 with glutamine.
Genome position (GRCh38, 1-based): chr16:67,660,304, C>G on the plus strand (G>C on the coding strand, the complement: ACD is on the minus strand). VCF-style: chr16-67660304-C-G. GRCh37 (hg19) VCF-style: chr16-67694207-C-G.
Other names: short protein forms E59Q.
Identifiers: ClinVar variation 1779562 (VCV001779562.3), dbSNP rs1406176384, ClinGen allele CA396359501.